The following is an entry in ClinVar:

ClinVar aggregate classification (germline): Conflicting classifications of pathogenicity. Review status: criteria provided, conflicting classifications (1 of 4 stars). 2 submissions from 2 submitters: Pathogenic (1); Uncertain significance (1). Last evaluated 2026-01-13.

Conditions:
Hereditary cancer-predisposing syndrome. Also called: Neoplastic Syndromes, Hereditary; Hereditary neoplastic syndrome; Tumor predisposition; Hereditary Cancer Syndrome. Identifiers: Orphanet 140162, MedGen C0027672, MeSH D009386, MONDO:0015356.

Submissions (2):

Labcorp Genetics (formerly Invitae), Labcorp
Classification: Pathogenic. Last evaluated: 2026-01-13. Review status: criteria provided, single submitter. Criteria: Invitae Variant Classification Sherloc (09022015). Collection method: clinical testing. Allele origin: germline.
Comment: This sequence change creates a premature translational stop signal (p.Tyr766*) in the POLE gene. It is expected to result in an absent or disrupted protein product. Loss-of-function variants in POLE are known to be pathogenic (PMID: 23230001, 25948378, 30503519). This variant is not present in population databases (gnomAD no frequency). This variant has not been reported in the literature in individuals affected with POLE-related conditions. ClinVar contains an entry for this variant (Variation ID: 1396092). For these reasons, this variant has been classified as Pathogenic.

Ambry Genetics
Classification: Uncertain significance for Hereditary cancer-predisposing syndrome. Last evaluated: 2025-04-18. Review status: criteria provided, single submitter. Criteria: Ambry Variant Classification Scheme 2023. Collection method: clinical testing. Allele origin: germline.
Comment: The p.Y766* variant (also known as c.2298C>G), located in coding exon 20 of the POLE gene, results from a C to G substitution at nucleotide position 2298. This changes the amino acid from a tyrosine to a stop codon within coding exon 20. This alteration is expected to result in loss of function by premature protein truncation or nonsense-mediated mRNA decay. Although biallelic loss of function of POLE has been associated with autosomal recessive POLE deficiency, haploinsufficiency of POLE has not been established as a mechanism of disease for POLE-related polymerase proofreading-associated polyposis (PPAP) and POLE-related CMMRD-like syndrome. Based on the supporting evidence, this variant is expected to be causative of POLE deficiency when present along with a second pathogenic variant on the other allele; however, its clinical significance for PPAP and POLE-related CMMRD-like syndrome is unclear.

Literature cited by the submitters: PubMed 23230001 (cited by Labcorp Genetics (formerly Invitae), Labcorp); PubMed 25948378 (cited by Labcorp Genetics (formerly Invitae), Labcorp); PubMed 30503519 (cited by Labcorp Genetics (formerly Invitae), Labcorp).

NM_006231.4(POLE):c.2298C>G (p.Tyr766Ter)

Gene: POLE (DNA polymerase epsilon, catalytic subunit; minus strand). Cytogenetic location: 12q24.33.
Variant type: single nucleotide variant.
Coding change: c.2298C>G on transcript NM_006231.4 (MANE Select); coding-DNA position 2298, C replaced by G.
Protein change: p.Tyr766Ter; replaces tyrosine 766 with a stop codon.
Molecular consequence: nonsense.
Genome position (GRCh38, 1-based): chr12:132,667,524, G>C on the plus strand (C>G on the coding strand, the complement: POLE is on the minus strand). VCF-style: chr12-132667524-G-C. GRCh37 (hg19) VCF-style: chr12-133244110-G-C.
Other names: c.2298C>G (NM_006231.2); short protein forms Y766*.
Identifiers: ClinVar variation 1396092 (VCV001396092.9), dbSNP rs760031526, ClinGen allele CA387352114.
Genomic context (GRCh38, chr12:132,667,524, plus strand): 5'-CCTCACAGAGGCCAAAGCTTGCAGCCCCTCAGAGCTCACCTTGTGGAGCCCTTTGAACTC[G>C]TAACGCCTGTCCCGGAAGGCACGCACGGTGTCCACGTAGAAGGAGTTTTCCCGCTGGCAG-3'